The following is an entry in ClinVar:

NM_001130144.3(LTBP3):c.3875G>A (p.Arg1292His)

Gene: LTBP3 (latent transforming growth factor beta binding protein 3; minus strand). Cytogenetic location: 11q13.1.
Variant type: single nucleotide variant.
Coding change: c.3875G>A on transcript NM_001130144.3 (MANE Select); coding-DNA position 3875, G replaced by A.
Protein change: p.Arg1292His; replaces arginine 1292 with histidine.
Molecular consequence: missense variant.
Genome position (GRCh38, 1-based): chr11:65,539,117, C>T on the plus strand (G>A on the coding strand, the complement: LTBP3 is on the minus strand). VCF-style: chr11-65539117-C-T. GRCh37 (hg19) VCF-style: chr11-65306588-C-T.
Other names: c.3383G>A, p.Arg1128His (NM_001164266.1); c.3734G>A, p.Arg1245His (NM_021070.4); c.3875G>A (NM_001130144.2); short protein forms R1245H, R1128H, R1292H.
Identifiers: ClinVar variation 1427542 (VCV001427542.9), dbSNP rs1282350856, ClinGen allele CA381265819.
Genomic context (GRCh38, chr11:65,539,117, plus strand): 5'-GGCCGAGGGCGGCGTCGGCGGCGTCAGCGGCGGCGCTGGGGAACGCAGGCCCCGTGCGGG[C>T]GGCTGCGCGCGAAGCCGGCTTTGCAGACGCAGCGGAAGGAGCCGCTGGTGTTCACGCAGC-3'
Protein context (NP_001123616.1, residues 1282-1302): CVCKAGFARS[Arg1292His]PHGACVPQRR

ClinVar aggregate classification (germline): Uncertain significance. Review status: criteria provided, multiple submitters, no conflicts (2 of 4 stars). 2 submissions from 2 submitters: Uncertain significance (2). Last evaluated 2025-12-10.

Conditions:
Inborn genetic diseases. Identifiers: MedGen C0950123, MeSH D030342.
Brachyolmia-amelogenesis imperfecta syndrome. Also called: PLATYSPONDYLY WITH AMELOGENESIS IMPERFECTA; Tooth agenesis, selective, 6; Dental anomalies and short stature. Identifiers: Orphanet 2899, MedGen C1832594, MONDO:0011018, OMIM 601216. Disease mechanism: loss of function.

Allele frequency attached by ClinVar (database versions not stated): TOPMed below 0.00001; gnomAD exomes 0.00001 and 0.00003.
gnomAD v4.1: 18 of 1,473,242 alleles (0.0012%); highest among the groups gnomAD compares: Middle Eastern, 0.022%; no homozygotes.

Submissions (2):

Labcorp Genetics (formerly Invitae), Labcorp
Classification: Uncertain significance for Brachyolmia-amelogenesis imperfecta syndrome. Last evaluated: 2025-12-10. Review status: criteria provided, single submitter. Criteria: Invitae Variant Classification Sherloc (09022015). Collection method: clinical testing. Allele origin: germline.
Comment: This sequence change replaces arginine, which is basic and polar, with histidine, which is basic and polar, at codon 1292 of the LTBP3 protein (p.Arg1292His). The frequency data for this variant in the population databases is considered unreliable, as metrics indicate poor data quality at this position in the gnomAD database. This variant has not been reported in the literature in individuals affected with LTBP3-related conditions. ClinVar contains an entry for this variant (Variation ID: 1427542). An algorithm developed to predict the effect of missense changes on protein structure and function (PolyPhen-2) suggests that this variant is likely to be disruptive. In summary, the available evidence is currently insufficient to determine the role of this variant in disease. Therefore, it has been classified as a Variant of Uncertain Significance.

Ambry Genetics
Classification: Uncertain significance for Inborn genetic diseases. Last evaluated: 2024-03-30. Review status: criteria provided, single submitter. Criteria: Ambry Variant Classification Scheme 2023. Collection method: clinical testing. Allele origin: germline.